The following is an entry in ClinVar:

ClinVar aggregate classification (germline): Uncertain significance (1 of 4 stars; one submission).

Submission:

Laboratory for Molecular Medicine, Mass General Brigham Personalized Medicine
Classification: Uncertain significance. Last evaluated: 2015-09-17. Review status: criteria provided, single submitter. Criteria: LMM Criteria. Collection method: clinical testing. Allele origin: germline. Observed: 1 variant allele.
Comment: The p.Cys538Phe variant in STRC has not been previously reported in individuals with hearing loss. Data from large population studies is insufficient to assess the frequency of this variant. Computational prediction tools and conservation a nalyses suggest that the Cys538Phe variant may impact the protein, though this i nformation is not predictive enough to determine pathogenicity. In summary, the clinical significance of the p.Cys538Phe variant is uncertain.

NM_153700.2(STRC):c.1613G>T (p.Cys538Phe)

Gene: STRC (stereocilin; minus strand). Cytogenetic location: 15q15.3.
Variant type: single nucleotide variant.
Coding change: c.1613G>T on transcript NM_153700.2 (MANE Select); coding-DNA position 1613, G replaced by T.
Protein change: p.Cys538Phe; replaces cysteine 538 with phenylalanine.
Molecular consequence: missense variant.
Genome position (GRCh38, 1-based): chr15:43,615,953, C>A on the plus strand (G>T on the coding strand, the complement: STRC is on the minus strand). VCF-style: chr15-43615953-C-A. GRCh37 (hg19) VCF-style: chr15-43908151-C-A.
Other names: short protein forms C538F.
Identifiers: ClinVar variation 229275 (VCV000229275.5), dbSNP rs876658006, ClinGen allele CA10576983.
Genomic context (GRCh38, chr15:43,615,953, plus strand): 5'-CATTGGCCTGCTAGCCAAGGCCAGAAGGGCACCAGGACCTCATACATGGTGTCATTGGCA[C>A]AGACCATCACCAGGAAGCTGCCCCCATCCGGGCAGCGTTCCCCACAGGGTCCAATGTGGC-3'
Protein context (NP_714544.1, residues 528-548): PDGGSFLVMV[Cys538Phe]ANDTMYEVLV